The following is an entry in ClinVar:

NM_004713.6(NEMF):c.1745-1267T>C

Gene: NEMF (nuclear export mediator factor; minus strand). Cytogenetic location: 14q21.3.
Variant type: single nucleotide variant.
Coding change: c.1745-1267T>C on transcript NM_004713.6 (MANE Select); 1267 bases into the intron before coding-DNA position 1745, T replaced by C.
Molecular consequence: intron variant.
Genome position (GRCh38, 1-based): chr14:49,807,400, A>G on the plus strand (T>C on the coding strand, the complement: NEMF is on the minus strand). VCF-style: chr14-49807400-A-G. GRCh37 (hg19) VCF-style: chr14-50274118-A-G.
Other names: c.1682-1267T>C (NM_001301732.3).
Identifiers: ClinVar variation 2644219 (VCV002644219.24), dbSNP rs767633343, ClinGen allele CA260687240.

ClinVar aggregate classification (germline): Benign (1 of 4 stars; one submission).

Allele frequency attached by ClinVar (database versions not stated): 1000 Genomes Project 30x 0.00484; TOPMed 0.00669; gnomAD 0.00954.

Submission:

CeGaT Center for Human Genetics Tuebingen
Classification: Benign. Last evaluated: 2023-05-01. Review status: criteria provided, single submitter. Criteria: CeGaT Center For Human Genetics Tuebingen Variant Classification Criteria Version 2. Collection method: clinical testing. Allele origin: germline. Affected: yes. Observed: 5 variant alleles.
Comment: NEMF: BS1, BS2